The following is an entry in ClinVar:

NM_025074.7(FRAS1):c.6434G>A (p.Arg2145Gln)

Gene: FRAS1 (Fraser extracellular matrix complex subunit 1; plus strand). Cytogenetic location: 4q21.21.
Variant type: single nucleotide variant.
Coding change: c.6434G>A on transcript NM_025074.7 (MANE Select); coding-DNA position 6434, G replaced by A.
Protein change: p.Arg2145Gln; replaces arginine 2145 with glutamine.
Molecular consequence: missense variant.
Genome position (GRCh38, 1-based): chr4:78,450,310, G>A. VCF-style: chr4-78450310-G-A. GRCh37 (hg19) VCF-style: chr4-79371464-G-A.
Other names: short protein forms R2145Q.
Identifiers: ClinVar variation 3591058 (VCV003591058.3).
Genomic context (GRCh38, chr4:78,450,310, plus strand): 5'-GGCGCCTGCAGATGATGAAGCATGGCAACCTGGAGCAAATTTCTATTAAAGGCCCCATCC[G>A]AAGTTTCACCCAGGCAGACATTAGCCAAGGTCAGCCAGTTCTCTTCTGCCTACCAGGCTT-3'
Protein context (NP_079350.5, residues 2135-2155): LEQISIKGPI[Arg2145Gln]SFTQADISQG

ClinVar aggregate classification (germline): Uncertain significance. Review status: criteria provided, multiple submitters, no conflicts (2 of 4 stars). 3 submissions from 3 submitters: Uncertain significance (3). Last evaluated 2024-09-04.

Conditions:
Fraser syndrome 1 (FRASRS1). Also called: CRYPTOPHTHALMOS WITH OTHER MALFORMATIONS. Identifiers: Orphanet 2052, MedGen C4551480, MONDO:0054737, OMIM 219000.

gnomAD v4.1: 25 of 1,613,682 alleles (0.0015%); highest among the groups gnomAD compares: East Asian, 0.0045%; no homozygotes.

Submissions (3):

Labcorp Genetics (formerly Invitae), Labcorp
Classification: Uncertain significance. Last evaluated: 2024-09-04. Review status: criteria provided, single submitter. Criteria: Invitae Variant Classification Sherloc (09022015). Collection method: clinical testing. Allele origin: germline.
Comment: This sequence change replaces arginine, which is basic and polar, with glutamine, which is neutral and polar, at codon 2145 of the FRAS1 protein (p.Arg2145Gln). This variant is present in population databases (rs201223320, gnomAD 0.02%). This variant has not been reported in the literature in individuals affected with FRAS1-related conditions. Invitae Evidence Modeling of protein sequence and biophysical properties (such as structural, functional, and spatial information, amino acid conservation, physicochemical variation, residue mobility, and thermodynamic stability) indicates that this missense variant is not expected to disrupt FRAS1 protein function with a negative predictive value of 80%. In summary, the available evidence is currently insufficient to determine the role of this variant in disease. Therefore, it has been classified as a Variant of Uncertain Significance.

Fulgent Genetics
Classification: Uncertain significance for Fraser syndrome 1. Last evaluated: 2024-02-27. Review status: criteria provided, single submitter. Criteria: ACMG Guidelines, 2015. Collection method: clinical testing. Allele origin: germline.

Blueprint Genetics
Classification: Uncertain significance. Last evaluated: 2023-09-14. Review status: criteria provided, single submitter. Criteria: ACMG Guidelines, 2015. Collection method: clinical testing. Allele origin: germline.